The following is an entry in ClinVar:

ClinVar aggregate classification (germline): Uncertain significance (1 of 4 stars; one submission).

Conditions:
Hereditary cancer-predisposing syndrome. Also called: Hereditary neoplastic syndrome; Neoplastic Syndromes, Hereditary; Tumor predisposition; Hereditary Cancer Syndrome. Identifiers: Orphanet 140162, MedGen C0027672, MeSH D009386, MONDO:0015356.

Submission:

Ambry Genetics
Classification: Uncertain significance for Hereditary cancer-predisposing syndrome. Last evaluated: 2025-08-27. Review status: criteria provided, single submitter. Criteria: Ambry Variant Classification Scheme 2023. Collection method: clinical testing. Allele origin: germline.
Comment: The p.Q260H variant (also known as c.780G>C), located in coding exon 9 of the MUTYH gene, results from a G to C substitution at nucleotide position 780. The glutamine at codon 260 is replaced by histidine, an amino acid with highly similar properties. This amino acid position is conserved. In addition, this alteration is predicted to be tolerated by in silico analysis. Based on the available evidence, the clinical significance of this variant remains unclear.

NM_001048174.2(MUTYH):c.696G>C (p.Gln232His)

Gene: MUTYH (mutY DNA glycosylase; minus strand). Cytogenetic location: 1p34.1.
Variant type: single nucleotide variant.
Coding change: c.696G>C on transcript NM_001048174.2 (MANE Select); coding-DNA position 696, G replaced by C.
Protein change: p.Gln232His; replaces glutamine 232 with histidine.
Molecular consequence: missense variant. On other transcripts: non-coding transcript variant (7).
Genome position (GRCh38, 1-based): chr1:45,332,399, C>G on the plus strand (G>C on the coding strand, the complement: MUTYH is on the minus strand). VCF-style: chr1-45332399-C-G. GRCh37 (hg19) VCF-style: chr1-45798071-C-G.
Other names: c.699G>C, p.Gln233His (NM_001048172.2, NM_001407078.1, NM_001407086.1 and 1 more transcripts); c.696G>C, p.Gln232His (NM_001048173.2, NM_001293195.2, NM_001407081.1 and 6 more transcripts); c.780G>C, p.Gln260His (NM_001128425.2); c.741G>C, p.Gln247His (NM_001293190.2); c.729G>C, p.Gln243His (NM_001293191.2, NM_001407069.1, NM_001407077.1); c.420G>C, p.Gln140His (NM_001293192.2, NM_001407091.1, NM_001293196.2); c.657G>C, p.Gln219His (NM_001407079.1); c.654G>C, p.Gln218His (NM_001407080.1); and 5 more; short protein forms Q140H, Q246H, Q204H, Q219H, Q239H, Q243H, Q247H, Q260H.
Identifiers: ClinVar variation 4113837 (VCV004113837.1).